The following is an entry in ClinVar:

ClinVar aggregate classification (germline): Uncertain significance (1 of 4 stars; one submission).

Submission:

GeneDx
Classification: Uncertain significance. Last evaluated: 2024-05-17. Review status: criteria provided, single submitter. Criteria: GeneDx Variant Classification Process June 2021. Collection method: clinical testing. Allele origin: germline. Affected: yes.
Comment: Not observed at significant frequency in large population cohorts (gnomAD); In silico analysis supports that this missense variant has a deleterious effect on protein structure/function; Has not been previously published as pathogenic or benign to our knowledge

NM_001007228.2(SPOP):c.790C>T (p.Pro264Ser)

Gene: SPOP (speckle type BTB/POZ protein; minus strand). Cytogenetic location: 17q21.33.
Variant type: single nucleotide variant.
Coding change: c.790C>T on transcript NM_001007228.2 (MANE Select); coding-DNA position 790, C replaced by T.
Protein change: p.Pro264Ser; replaces proline 264 with serine.
Molecular consequence: missense variant.
Genome position (GRCh38, 1-based): chr17:49,607,297, G>A on the plus strand (C>T on the coding strand, the complement: SPOP is on the minus strand). VCF-style: chr17-49607297-G-A. GRCh37 (hg19) VCF-style: chr17-47684659-G-A.
Other names: c.790C>T, p.Pro264Ser (NM_001007226.1, NM_001007227.1, NM_001007229.1 and 5 more transcripts); short protein forms P264S.
Identifiers: ClinVar variation 3377986 (VCV003377986.1).